The following is an entry in ClinVar:

NM_001288705.3(CSF1R):c.1069A>T (p.Lys357Ter)

Gene: CSF1R (colony stimulating factor 1 receptor; minus strand). Cytogenetic location: 5q32.
Variant type: single nucleotide variant.
Coding change: c.1069A>T on transcript NM_001288705.3 (MANE Select); coding-DNA position 1069, A replaced by T.
Protein change: p.Lys357Ter; replaces lysine 357 with a stop codon.
Molecular consequence: nonsense. On other transcripts: non-coding transcript variant (2).
Genome position (GRCh38, 1-based): chr5:150,073,314, T>A on the plus strand (A>T on the coding strand, the complement: CSF1R is on the minus strand). VCF-style: chr5-150073314-T-A. GRCh37 (hg19) VCF-style: chr5-149452877-T-A.
Other names: c.1069A>T, p.Lys357Ter (NM_001349736.2, NM_001375320.1, NM_005211.4); c.625A>T, p.Lys209Ter (NM_001375321.1); short protein forms K209*, K357*.
Identifiers: ClinVar variation 1333351 (VCV001333351.1), dbSNP rs767475362, ClinGen allele CA129070479.

ClinVar aggregate classification (germline): Likely pathogenic (1 of 4 stars; one submission).

Conditions:
Hereditary diffuse leukoencephalopathy with spheroids. Also called: LEUKOENCEPHALOPATHY, ADULT-ONSET, WITH AXONAL SPHEROIDS AND PIGMENTED GLIA. Identifiers: Orphanet 313808, MedGen C3711381, MONDO:0030796.

Submission:

3billion
Classification: Likely pathogenic for Leukoencephalopathy, diffuse hereditary, with spheroids 1. Last evaluated: 2022-01-03. Review status: criteria provided, single submitter. Criteria: ACMG Guidelines, 2015. Collection method: clinical testing. Allele origin: germline. Affected: yes. Observed: 1 heterozygote.
Comment: Stop-gained (nonsense): predicted to result in a loss or disruption of normal protein function through nonsense-mediated decay (NMD) or protein truncation. Multiple pathogenic variants are reported downstream of the variant (PVS1_VS). It is not observed in the gnomAD v2.1.1 dataset (PM2_M). Therefore, this variant is classified as likely pathogenic according to the recommendation of ACMG/AMP guideline.